The following is an entry in ClinVar:

ClinVar aggregate classification (germline): Uncertain significance (1 of 4 stars; one submission).

Conditions:
Bloom syndrome (BLM). Also called: Bloom-Torre-Machacek syndrome. Identifiers: Orphanet 125, MedGen C0005859, MONDO:0008876, OMIM 210900.

Submission:

Labcorp Genetics (formerly Invitae), Labcorp
Classification: Uncertain significance for Bloom syndrome. Last evaluated: 2021-05-05. Review status: criteria provided, single submitter. Criteria: Invitae Variant Classification Sherloc (09022015). Collection method: clinical testing. Allele origin: germline.
Comment: In summary, the available evidence is currently insufficient to determine the role of this variant in disease. Therefore, it has been classified as a Variant of Uncertain Significance. This sequence change replaces glycine with arginine at codon 1046 of the BLM protein (p.Gly1046Arg). The glycine residue is highly conserved and there is a moderate physicochemical difference between glycine and arginine. This variant is not present in population databases (ExAC no frequency). This variant has not been reported in the literature in individuals with BLM-related conditions. Algorithms developed to predict the effect of missense changes on protein structure and function are either unavailable or do not agree on the potential impact of this missense change (SIFT: "Deleterious"; PolyPhen-2: "Probably Damaging"; Align-GVGD: "Class C0").

NM_000057.4(BLM):c.3136G>C (p.Gly1046Arg)

Gene: BLM (BLM RecQ like helicase; plus strand). Cytogenetic location: 15q26.1.
Variant type: single nucleotide variant.
Coding change: c.3136G>C on transcript NM_000057.4 (MANE Select); coding-DNA position 3136, G replaced by C.
Protein change: p.Gly1046Arg; replaces glycine 1046 with arginine.
Molecular consequence: missense variant.
Genome position (GRCh38, 1-based): chr15:90,794,283, G>C. VCF-style: chr15-90794283-G-C. GRCh37 (hg19) VCF-style: chr15-91337513-G-C.
Other names: c.3136G>C, p.Gly1046Arg (NM_001287246.2, NM_001287247.2); c.2011G>C, p.Gly671Arg (NM_001287248.2); short protein forms G1046R, G671R.
Identifiers: ClinVar variation 1489010 (VCV001489010.8), dbSNP rs373241803, ClinGen allele CA393846912.
Genomic context (GRCh38, chr15:90,794,283, plus strand): 5'-ATGGTACATTACTGTGAAAATATAACGGAATGCAGGAGAATACAGCTTTTGGCCTACTTT[G>C]GTGAAAATGGATTTAATCCTGATTTTTGTAAGAAACACCCAGATGTTTCTTGTGATAATT-3'
Protein context (NP_000048.1, residues 1036-1056): CRRIQLLAYF[Gly1046Arg]ENGFNPDFCK